The following is an entry in ClinVar:

ClinVar aggregate classification (germline): Pathogenic (1 of 4 stars; one submission).

Conditions:
Inborn genetic diseases. Identifiers: MedGen C0950123, MeSH D030342.

Allele frequency attached by ClinVar (database versions not stated): gnomAD exomes below 0.00001.

Submission:

Ambry Genetics
Classification: Pathogenic for Inborn genetic diseases. Last evaluated: 2022-05-02. Review status: criteria provided, single submitter. Criteria: Ambry Variant Classification Scheme 2023. Collection method: clinical testing. Allele origin: germline.
Comment: The c.487delG (p.D163Tfs*38) alteration, located in exon 4 (coding exon 4) of the DGUOK gene, consists of a deletion of one nucleotide at position 487, causing a translational frameshift with a predicted alternate stop codon after 38 amino acids. This alteration is expected to result in loss of function by premature protein truncation or nonsense-mediated mRNA decay. This variant was not reported in population-based cohorts in the Genome Aggregation Database (gnomAD). Based on the available evidence, this alteration is classified as pathogenic.

NM_080916.3(DGUOK):c.487del (p.Asp163fs)

Gene: DGUOK (deoxyguanosine kinase; plus strand). Cytogenetic location: 2p13.1.
Variant type: Deletion.
Coding change: c.487del on transcript NM_080916.3 (MANE Select); coding-DNA position 487, one base deleted (G; older notation c.487delG).
Protein change: p.Asp163fs; shifts the reading frame from aspartic acid 163.
Molecular consequence: frameshift variant. On other transcripts: non-coding transcript variant (2), intron variant (2).
Genome position (GRCh38, 1-based): chr2:73,950,628, G deleted. VCF-style (leftmost placement, unchanged base first): chr2-73950627-TG-T. GRCh37 (hg19) VCF-style: chr2-74177754-TG-T.
Other names: c.196del, p.Asp66fs (NM_001318860.2, NM_001318861.2); c.178del, p.Asp60fs (NM_001318862.2, NM_001318863.2); c.443+3722del (NM_080918.3); c.425+3740del (NM_001318859.2); short protein forms D163fs, D60fs, D66fs.
Identifiers: ClinVar variation 2216459 (VCV002216459.2), dbSNP rs2467049254, ClinGen allele CA2577006578.